The following is an entry in ClinVar:

NM_000531.6(OTC):c.1028C>T (p.Thr343Ile)

Gene: OTC (ornithine transcarbamylase; plus strand). Cytogenetic location: Xp11.4.
Variant type: single nucleotide variant.
Coding change: c.1028C>T on transcript NM_000531.6 (MANE Select); coding-DNA position 1028, C replaced by T.
Protein change: p.Thr343Ile; replaces threonine 343 with isoleucine.
Molecular consequence: missense variant.
Genome position (GRCh38, 1-based): chrX:38,421,045, C>T. VCF-style: chrX-38421045-C-T. GRCh37 (hg19) VCF-style: chrX-38280298-C-T.
Other names: c.1028C>T, p.Thr343Ile (NM_001407092.1); short protein forms T343I.
Identifiers: ClinVar variation 3251609 (VCV003251609.4), dbSNP rs72558491.
Genomic context (GRCh38, chrX:38,421,045, plus strand): 5'-TGTTTATCCATTTCTTTCTTTCTTTGTTGTGTCATCAGGCTGTCATGGTGTCCCTGCTGA[C>T]AGATTACTCACCTCAGCTCCAGAAGCCTAAATTTTGATGTTGTGTTACTTGTCAAGAAAG-3'
Protein context (NP_000522.3, residues 333-353): TIMAVMVSLL[Thr343Ile]DYSPQLQKPK

ClinVar aggregate classification (germline): Conflicting classifications of pathogenicity. Review status: criteria provided, conflicting classifications (1 of 4 stars). 4 submissions from 4 submitters: Likely pathogenic (2); Uncertain significance (2). Last evaluated 2026-02-24.

Conditions:
Ornithine carbamoyltransferase deficiency (OTCD). Also called: ORNITHINE TRANSCARBAMYLASE DEFICIENCY; ORNITHINE TRANSCARBAMYLASE DEFICIENCY, HYPERAMMONEMIA DUE TO; OTC DEFICIENCY; Ornithine Carbamoyltransferase Deficiency Disease. Identifiers: Orphanet 664, MedGen C0268542, MONDO:0010703, OMIM 311250.
Likely inborn error of metabolism.

gnomAD v4.1: 1 of 1,203,383 alleles (0.000083%); no homozygotes.

Submissions (4):

Genetics Laboratory, Great Ormond Street Hospital NHS Foundation Trust, North Thames Genomic Laboratory Hub
Classification: Likely pathogenic for Likely inborn error of metabolism. Last evaluated: 2026-02-24. Review status: criteria provided, single submitter. Criteria: ACGS Best Practice Guidelines for Variant Classification in Rare Disease 2024 v1.2. Collection method: clinical testing. Allele origin: germline. Affected: yes.
Comment: PM2_moderate, PP3_supporting, PM5_moderate, PS3_supporting

Color Diagnostics, LLC DBA Color Health
Classification: Uncertain significance for Ornithine carbamoyltransferase deficiency. Last evaluated: 2025-07-09. Review status: criteria provided, single submitter. Criteria: ACMG Guidelines, 2015. Collection method: clinical testing. Allele origin: germline.
Comment: This missense variant replaces threonine with isoleucine at codon 343 of the OTC protein. Computational prediction suggests that this variant may have deleterious impact on protein structure and function. To our knowledge, functional studies have not been reported for this variant. This variant has not been reported in individuals affected with OTC-related disorders in the literature. This variant has not been identified in the general population by the Genome Aggregation Database (gnomAD). The available evidence is insufficient to determine the role of this variant in disease conclusively. Therefore, this variant is classified as a Variant of Uncertain Significance.

Fulgent Genetics
Classification: Likely pathogenic for Ornithine carbamoyltransferase deficiency. Last evaluated: 2024-04-30. Review status: criteria provided, single submitter. Criteria: ACMG Guidelines, 2015. Collection method: clinical testing. Allele origin: germline.

Women's Health and Genetics/Laboratory Corporation of America, LabCorp
Classification: Uncertain significance. Last evaluated: 2024-04-29. Review status: criteria provided, single submitter. Criteria: LabCorp Variant Classification Summary - May 2015. Collection method: clinical testing. Allele origin: germline.
Comment: Variant summary: OTC c.1028C>T (p.Thr343Ile) results in a non-conservative amino acid change in the encoded protein sequence. Five of five in-silico tools predict a damaging effect of the variant on protein function. The variant was absent in 182709 control chromosomes. The available data on variant occurrences in the general population are insufficient to allow any conclusion about variant significance. To our knowledge, no occurrence of c.1028C>T in individuals affected with Ornithine Transcarbamylase Deficiency and no experimental evidence demonstrating its impact on protein function have been reported. No submitters have cited clinical-significance assessments for this variant to ClinVar. Based on the evidence outlined above, the variant was classified as uncertain significance.